The following is an entry in ClinVar:

NM_003647.3(DGKE):c.83G>A (p.Cys28Tyr)

Gene: DGKE (diacylglycerol kinase epsilon; plus strand). Cytogenetic location: 17q22.
Variant type: single nucleotide variant.
Coding change: c.83G>A on transcript NM_003647.3 (MANE Select); coding-DNA position 83, G replaced by A.
Protein change: p.Cys28Tyr; replaces cysteine 28 with tyrosine.
Molecular consequence: missense variant.
Genome position (GRCh38, 1-based): chr17:56,834,878, G>A. VCF-style: chr17-56834878-G-A. GRCh37 (hg19) VCF-style: chr17-54912239-G-A.
Other names: short protein forms C28Y.
Identifiers: ClinVar variation 1997951 (VCV001997951.4), dbSNP rs2509256789, ClinGen allele CA399920881.

ClinVar aggregate classification (germline): Uncertain significance (1 of 4 stars; one submission).

Submission:

Labcorp Genetics (formerly Invitae), Labcorp
Classification: Uncertain significance. Last evaluated: 2022-05-22. Review status: criteria provided, single submitter. Criteria: Invitae Variant Classification Sherloc (09022015). Collection method: clinical testing. Allele origin: germline.
Comment: This variant has not been reported in the literature in individuals affected with DGKE-related conditions. In summary, the available evidence is currently insufficient to determine the role of this variant in disease. Therefore, it has been classified as a Variant of Uncertain Significance. Algorithms developed to predict the effect of missense changes on protein structure and function (SIFT, PolyPhen-2, Align-GVGD) all suggest that this variant is likely to be tolerated. This variant is not present in population databases (gnomAD no frequency). This sequence change replaces cysteine, which is neutral and slightly polar, with tyrosine, which is neutral and polar, at codon 28 of the DGKE protein (p.Cys28Tyr).